The following is an entry in ClinVar:

ClinVar aggregate classification (germline): Uncertain significance (1 of 4 stars; one submission).

gnomAD v4.1: 1 of 1,614,146 alleles (0.000062%); highest among the groups gnomAD compares: East Asian, 0.0022%; no homozygotes.

Submission:

Labcorp Genetics (formerly Invitae), Labcorp
Classification: Uncertain significance. Last evaluated: 2022-02-28. Review status: criteria provided, single submitter. Criteria: Invitae Variant Classification Sherloc (09022015). Collection method: clinical testing. Allele origin: germline.
Comment: This variant has not been reported in the literature in individuals affected with NARS2-related conditions. This variant is present in population databases (no rsID available, gnomAD 0.006%). This sequence change replaces serine, which is neutral and polar, with leucine, which is neutral and non-polar, at codon 474 of the NARS2 protein (p.Ser474Leu). In summary, the available evidence is currently insufficient to determine the role of this variant in disease. Therefore, it has been classified as a Variant of Uncertain Significance. Algorithms developed to predict the effect of missense changes on protein structure and function are either unavailable or do not agree on the potential impact of this missense change (SIFT: "Deleterious"; PolyPhen-2: "Possibly Damaging"; Align-GVGD: "Class C15").

NM_024678.6(NARS2):c.1421C>T (p.Ser474Leu)

Gene: NARS2 (asparaginyl-tRNA synthetase 2, mitochondrial; minus strand). Cytogenetic location: 11q14.1.
Variant type: single nucleotide variant.
Coding change: c.1421C>T on transcript NM_024678.6 (MANE Select); coding-DNA position 1421, C replaced by T.
Protein change: p.Ser474Leu; replaces serine 474 with leucine.
Molecular consequence: missense variant.
Genome position (GRCh38, 1-based): chr11:78,436,683, G>A on the plus strand (C>T on the coding strand, the complement: NARS2 is on the minus strand). VCF-style: chr11-78436683-G-A. GRCh37 (hg19) VCF-style: chr11-78147729-G-A.
Other names: c.740C>T, p.Ser247Leu (NM_001243251.2); short protein forms S247L, S474L.
Identifiers: ClinVar variation 2104527 (VCV002104527.4), dbSNP rs1281475758, ClinGen allele CA382177946.
Genomic context (GRCh38, chr11:78,436,683, plus strand): 5'-GCAGTGTCTCTGCCATGGGGGGTGCTTTTCCTTAACCAATCTTCCAGCTATAAAAGGCAT[G>A]AATGAGGAAACCTTGGGAAAGGGATAACATCTTTGATATTGTCAACACCCAAGATGCACT-3'
Protein context (NP_078954.4, residues 464-477): DVIPFPRFPH[Ser474Leu]CLL